The following is an entry in ClinVar:

ClinVar aggregate classification (germline): Uncertain significance. Review status: criteria provided, multiple submitters, no conflicts (2 of 4 stars). 2 submissions from 2 submitters: Uncertain significance (2). Last evaluated 2025-08-20.

Conditions:
Inborn genetic diseases. Identifiers: MedGen C0950123, MeSH D030342.

Submissions (2):

Ambry Genetics
Classification: Uncertain significance for Inborn genetic diseases. Last evaluated: 2025-08-20. Review status: criteria provided, single submitter. Criteria: Ambry Variant Classification Scheme 2023. Collection method: clinical testing. Allele origin: germline.
Comment: The p.I1150R variant (also known as c.3449T>G), located in coding exon 16 of the MECOM gene, results from a T to G substitution at nucleotide position 3449. The isoleucine at codon 1150 is replaced by arginine, an amino acid with similar properties. This amino acid position is conserved. In addition, the in silico prediction for this alteration is inconclusive. Based on the available evidence, the clinical significance of this variant remains unclear.

Labcorp Genetics (formerly Invitae), Labcorp
Classification: Uncertain significance. Last evaluated: 2025-06-22. Review status: criteria provided, single submitter. Criteria: Invitae Variant Classification Sherloc (09022015). Collection method: clinical testing. Allele origin: germline.
Comment: This sequence change replaces isoleucine, which is neutral and non-polar, with arginine, which is basic and polar, at codon 962 of the MECOM protein (p.Ile962Arg). This variant is not present in population databases (gnomAD no frequency). This variant has not been reported in the literature in individuals affected with MECOM-related conditions. An algorithm developed to predict the effect of missense changes on protein structure and function (PolyPhen-2) suggests that this variant is likely to be disruptive. In summary, the available evidence is currently insufficient to determine the role of this variant in disease. Therefore, it has been classified as a Variant of Uncertain Significance.

NM_004991.4(MECOM):c.3449T>G (p.Ile1150Arg)

Gene: MECOM (MDS1 and EVI1 complex locus; minus strand). Cytogenetic location: 3q26.2.
Variant type: single nucleotide variant.
Coding change: c.3449T>G on transcript NM_004991.4 (MANE Select); coding-DNA position 3449, T replaced by G.
Protein change: p.Ile1150Arg; replaces isoleucine 1150 with arginine.
Molecular consequence: missense variant.
Genome position (GRCh38, 1-based): chr3:169,089,136, A>C on the plus strand (T>G on the coding strand, the complement: MECOM is on the minus strand). VCF-style: chr3-169089136-A-C. GRCh37 (hg19) VCF-style: chr3-168806924-A-C.
Other names: c.3080T>G, p.Ile1027Arg (NM_001105077.4); c.2885T>G, p.Ile962Arg (NM_001105078.4, NM_001205194.2, NM_001366469.2 and 1 more transcripts); c.2861T>G, p.Ile954Arg (NM_001163999.2, NM_001366470.2); c.2858T>G, p.Ile953Arg (NM_001164000.2, NM_001366471.2, NM_001366472.2); c.3422T>G, p.Ile1141Arg (NM_001366466.2); c.2888T>G, p.Ile963Arg (NM_001366467.2, NM_001366468.2); c.2450T>G, p.Ile817Arg (NM_001366473.2); c.1886T>G, p.Ile629Arg (NM_001366474.2); short protein forms I629R, I954R, I962R, I1150R, I1027R, I1141R, I817R, I953R.
Identifiers: ClinVar variation 4105862 (VCV004105862.2).
Genomic context (GRCh38, chr3:169,089,136, plus strand): 5'-GCTTCAGAATATTGATTATCTTCCATTTTCCTCATTTTGAGGCTATCTGTGAAGTGCCTT[A>C]TATGATCTAGAGCAGAAAGTCCACTTTTATATTCTTCCTCTTTATACCTAAAATGAACCA-3'
Protein context (NP_004982.2, residues 1140-1160): YKSGLSALDH[Ile1150Arg]RHFTDSLKMR